The following is an entry in ClinVar:

NC_000023.11:g.18653502G>A

Genes: CDKL5 (cyclin dependent kinase like 5; plus strand), RS1 (retinoschisin 1; minus strand). Cytogenetic location: Xp22.13.
Variant type: single nucleotide variant.
Molecular consequence: intron variant (on NM_000330.4). On other transcripts: synonymous variant (2).
Genome position: GRCh38 VCF-style: chrX-18653502-G-A. GRCh37 (hg19) VCF-style: chrX-18671622-G-A.
Other names: c.3051G>A, p.Ala1017= (NM_001037343.2, NM_003159.3); c.184+3151C>T (NM_000330.4).
Identifiers: ClinVar variation 1153917 (VCV001153917.14), dbSNP rs910286513, ClinGen allele CA327013571.

ClinVar aggregate classification (germline): Likely benign. Review status: criteria provided, multiple submitters, no conflicts (2 of 4 stars). 2 submissions from 2 submitters: Likely benign (2). Last evaluated 2026-02-01.

Conditions:
Angelman syndrome-like. Identifiers: MedGen CN128785.
Developmental and epileptic encephalopathy, 2 (DEE2). Also called: CDKL5 deficiency disorder; INFANTILE SPASM SYNDROME, X-LINKED 2. Identifiers: Orphanet 1934, Orphanet 3451, Orphanet 505652, MedGen C4750718, MONDO:0010396, OMIM 300672.

Allele frequency attached by ClinVar (database versions not stated): gnomAD exomes 0.00001; gnomAD 0.00002; TOPMed 0.00002.
gnomAD v4.1: 10 of 1,210,088 alleles (0.00083%); highest among the groups gnomAD compares: South Asian, 0.0035%; no homozygotes.

Submissions (2):

CeGaT Center for Human Genetics Tuebingen
Classification: Likely benign. Last evaluated: 2026-02-01. Review status: criteria provided, single submitter. Criteria: CeGaT Center For Human Genetics Tuebingen Variant Classification Criteria Version 2. Collection method: clinical testing. Allele origin: germline. Affected: yes. Observed: 1 variant allele.
Comment: CDKL5: BS2

Labcorp Genetics (formerly Invitae), Labcorp
Classification: Likely benign for Developmental and epileptic encephalopathy, 2; Angelman syndrome-like. Last evaluated: 2023-06-05. Review status: criteria provided, single submitter. Criteria: Invitae Variant Classification Sherloc (09022015). Collection method: clinical testing. Allele origin: germline.